The following is an entry in ClinVar:

NM_013436.5(NCKAP1):c.97A>C (p.Asn33His)

Gene: NCKAP1 (NCK associated protein 1; minus strand). Cytogenetic location: 2q32.1.
Variant type: single nucleotide variant.
Coding change: c.97A>C on transcript NM_013436.5 (MANE Select); coding-DNA position 97, A replaced by C.
Protein change: p.Asn33His; replaces asparagine 33 with histidine.
Molecular consequence: missense variant.
Genome position (GRCh38, 1-based): chr2:183,038,003, T>G on the plus strand (A>C on the coding strand, the complement: NCKAP1 is on the minus strand). VCF-style: chr2-183038003-T-G. GRCh37 (hg19) VCF-style: chr2-183902731-T-G.
Other names: c.97A>C, p.Asn33His (NM_205842.3); short protein forms N33H.
Identifiers: ClinVar variation 1878805 (VCV001878805.2), dbSNP rs2468325972, ClinGen allele CA349757996.

ClinVar aggregate classification (germline): Uncertain significance (1 of 4 stars; one submission).

Allele frequency attached by ClinVar (database versions not stated): gnomAD exomes below 0.00001.
gnomAD v4.1: 1 of 1,585,178 alleles (0.000063%); highest among the groups gnomAD compares: South Asian, 0.0011%; no homozygotes.

Submission:

GeneDx
Classification: Uncertain significance. Last evaluated: 2025-09-18. Review status: criteria provided, single submitter. Criteria: GeneDx Variant Classification Process June 2021. Collection method: clinical testing. Allele origin: germline. Affected: yes.
Comment: Not observed at significant frequency in large population cohorts (gnomAD); In silico analysis supports that this missense variant has a deleterious effect on protein structure/function; Has not been previously published as pathogenic or benign to our knowledge